The following is an entry in ClinVar:

NM_016148.5(SHANK1):c.619T>G (p.Tyr207Asp)

Gene: SHANK1 (SH3 and multiple ankyrin repeat domains 1; minus strand). Cytogenetic location: 19q13.33.
Variant type: single nucleotide variant.
Coding change: c.619T>G on transcript NM_016148.5 (MANE Select); coding-DNA position 619, T replaced by G.
Protein change: p.Tyr207Asp; replaces tyrosine 207 with aspartic acid.
Molecular consequence: missense variant.
Genome position (GRCh38, 1-based): chr19:50,714,203, A>C on the plus strand (T>G on the coding strand, the complement: SHANK1 is on the minus strand). VCF-style: chr19-50714203-A-C. GRCh37 (hg19) VCF-style: chr19-51217460-A-C.
Other names: short protein forms Y207D.
Identifiers: ClinVar variation 3361377 (VCV003361377.1).

ClinVar aggregate classification (germline): Uncertain significance (1 of 4 stars; one submission).

Submission:

GeneDx
Classification: Uncertain significance. Last evaluated: 2023-07-23. Review status: criteria provided, single submitter. Criteria: GeneDx Variant Classification Process June 2021. Collection method: clinical testing. Allele origin: germline. Affected: yes.
Comment: Not observed at significant frequency in large population cohorts (gnomAD); In silico analysis supports that this missense variant has a deleterious effect on protein structure/function; Has not been previously published as pathogenic or benign to our knowledge